The following is an entry in ClinVar:

NM_001130823.3(DNMT1):c.804-57C>T

Gene: DNMT1 (DNA methyltransferase 1; minus strand). Cytogenetic location: 19p13.2.
Variant type: single nucleotide variant.
Coding change: c.804-57C>T on transcript NM_001130823.3 (MANE Select); 57 bases into the intron before coding-DNA position 804, C replaced by T.
Molecular consequence: intron variant.
Genome position (GRCh38, 1-based): chr19:10,166,742, G>A on the plus strand (C>T on the coding strand, the complement: DNMT1 is on the minus strand). VCF-style: chr19-10166742-G-A. GRCh37 (hg19) VCF-style: chr19-10277418-G-A.
Other names: c.441-57C>T (NM_001318731.2); c.756-57C>T (NM_001379.4, NM_001318730.2).
Identifiers: ClinVar variation 677801 (VCV000677801.1), dbSNP rs188576364, ClinGen allele CA305178417.

ClinVar aggregate classification (germline): Likely benign (1 of 4 stars; one submission).

Allele frequency attached by ClinVar (database versions not stated): 1000 Genomes Project 30x 0.00234; 1000 Genomes Project 0.00240; TOPMed 0.00329; ESP Exome Variant Server 0.00372; gnomAD 0.00452 and 0.00465; gnomAD exomes 0.00553.
gnomAD v4.1: 8,501 of 1,580,062 alleles (0.54%); highest among the groups gnomAD compares: Non-Finnish European, 0.58%; 40 homozygotes.

Submission:

GeneDx
Classification: Likely benign. Last evaluated: 2018-06-20. Review status: criteria provided, single submitter. Criteria: GeneDx Variant Classification (06012015). Collection method: clinical testing. Allele origin: germline. Affected: yes.
Comment: This variant is considered likely benign or benign based on one or more of the following criteria: it is a conservative change, it occurs at a poorly conserved position in the protein, it is predicted to be benign by multiple in silico algorithms, and/or has population frequency not consistent with disease.